The following is an entry in ClinVar:

NM_003737.4(DCHS1):c.8315C>T (p.Pro2772Leu)

Gene: DCHS1 (dachsous cadherin-related 1; minus strand). Cytogenetic location: 11p15.4.
Variant type: single nucleotide variant.
Coding change: c.8315C>T on transcript NM_003737.4 (MANE Select); coding-DNA position 8315, C replaced by T.
Protein change: p.Pro2772Leu; replaces proline 2772 with leucine.
Molecular consequence: missense variant.
Genome position (GRCh38, 1-based): chr11:6,623,361, G>A on the plus strand (C>T on the coding strand, the complement: DCHS1 is on the minus strand). VCF-style: chr11-6623361-G-A. GRCh37 (hg19) VCF-style: chr11-6644592-G-A.
Other names: c.8315C>T (NM_003737.2, NM_003737.3); short protein forms P2772L.
Identifiers: ClinVar variation 1433240 (VCV001433240.8), dbSNP rs778615533, ClinGen allele CA5859445.
Genomic context (GRCh38, chr11:6,623,361, plus strand): 5'-TTCCCAGCATCAGCAGCACCCACCAGCAGCCGGAAGCTTTCTGTGTGCTCATAGTCAAAG[G>A]GCACTCGCGCACGCAACTCCCCTGTTGAGCTGTTCAGTGCAAATGCCTCACGGCCCTCAG-3'
Protein context (NP_003728.1, residues 2762-2782): SSTGELRARV[Pro2772Leu]FDYEHTESFR

ClinVar aggregate classification (germline): Uncertain significance. Review status: criteria provided, multiple submitters, no conflicts (2 of 4 stars). 3 submissions from 3 submitters: Uncertain significance (3). Last evaluated 2026-01-06.

Conditions:
Inborn genetic diseases. Identifiers: MedGen C0950123, MeSH D030342.
DCHS1-related disorder. Also called: DCHS1-related condition.

Allele frequency attached by ClinVar (database versions not stated): gnomAD 0.00003; gnomAD exomes 0.00003 and 0.00005; TOPMed 0.00004; ExAC 0.00007.
gnomAD v4.1: 76 of 1,597,470 alleles (0.0048%); highest among the groups gnomAD compares: Middle Eastern, 0.016%; no homozygotes.

Submissions (3):

Labcorp Genetics (formerly Invitae), Labcorp
Classification: Uncertain significance. Last evaluated: 2026-01-06. Review status: criteria provided, single submitter. Criteria: Invitae Variant Classification Sherloc (09022015). Collection method: clinical testing. Allele origin: germline.
Comment: This sequence change replaces proline, which is neutral and non-polar, with leucine, which is neutral and non-polar, at codon 2772 of the DCHS1 protein (p.Pro2772Leu). This variant is present in population databases (rs778615533, gnomAD 0.01%). This variant has not been reported in the literature in individuals affected with DCHS1-related conditions. ClinVar contains an entry for this variant (Variation ID: 1433240). Invitae Evidence Modeling of protein sequence and biophysical properties (such as structural, functional, and spatial information, amino acid conservation, physicochemical variation, residue mobility, and thermodynamic stability) indicates that this missense variant is not expected to disrupt DCHS1 protein function with a negative predictive value of 80%. In summary, the available evidence is currently insufficient to determine the role of this variant in disease. Therefore, it has been classified as a Variant of Uncertain Significance.

PreventionGenetics, part of Exact Sciences
Classification: Uncertain significance for DCHS1-related condition. Last evaluated: 2025-02-08. Review status: criteria provided, single submitter. Criteria: ACMG Guidelines, 2015. Collection method: clinical testing. Allele origin: germline.
Comment: The DCHS1 c.8315C>T variant is predicted to result in the amino acid substitution p.Pro2772Leu. To our knowledge, this variant has not been reported in the literature. This variant is reported in 0.010% of alleles in individuals of Ashkenazi Jewish descent in gnomAD. At this time, the clinical significance of this variant is uncertain due to the absence of conclusive functional and genetic evidence.

Ambry Genetics
Classification: Uncertain significance for Inborn genetic diseases. Last evaluated: 2021-04-28. Review status: criteria provided, single submitter. Criteria: Ambry Variant Classification Scheme 2023. Collection method: clinical testing. Allele origin: germline.